The following is an entry in ClinVar:

ClinVar aggregate classification (germline): Uncertain significance. Review status: criteria provided, multiple submitters, no conflicts (2 of 4 stars). 3 submissions from 3 submitters: Uncertain significance (3). Last evaluated 2025-06-13.

Conditions:
TTN-related disorder. Also called: TTN-related disorders; TTN-related condition; TTN-related disease.

Allele frequency attached by ClinVar (database versions not stated): ExAC 0.00002; gnomAD exomes 0.00002; gnomAD 0.00003; TOPMed 0.00004.

Submissions (3):

PreventionGenetics, part of Exact Sciences
Classification: Uncertain significance for TTN-related condition. Last evaluated: 2025-06-13. Review status: criteria provided, single submitter. Criteria: ACMG Guidelines, 2015. Collection method: clinical testing. Allele origin: germline.
Comment: The TTN c.63946G>A variant is predicted to result in the amino acid substitution p.Val21316Ile. To our knowledge, this variant has not been reported in the literature. This variant is reported in 0.0045% of alleles in individuals of European (Non-Finnish) descent in gnomAD. At this time, the clinical significance of this variant is uncertain due to the absence of conclusive functional and genetic evidence.

Revvity Omics, Revvity
Classification: Uncertain significance. Last evaluated: 2024-07-29. Review status: criteria provided, single submitter. Criteria: ACMG Guidelines, 2015. Collection method: clinical testing. Allele origin: germline.

Women's Health and Genetics/Laboratory Corporation of America, LabCorp
Classification: Uncertain significance. Last evaluated: 2024-07-12. Review status: criteria provided, single submitter. Criteria: LabCorp Variant Classification Summary - May 2015. Collection method: clinical testing. Allele origin: germline.
Comment: Variant summary: TTN c.56242G>A (p.Val18748Ile) results in a conservative amino acid change located in the A band domain of the encoded protein sequence. Three of four in-silico tools predict a benign effect of the variant on protein function. The variant allele was found at a frequency of 2.8e-05 in 248032 control chromosomes. The available data on variant occurrences in the general population are insufficient to allow any conclusion about variant significance. To our knowledge, no occurrence of c.56242G>A in individuals affected with Dilated Cardiomyopathy and no experimental evidence demonstrating its impact on protein function have been reported. ClinVar contains an entry for this variant (Variation ID: 2691304). Based on the evidence outlined above, the variant was classified as uncertain significance.

NM_001267550.2(TTN):c.63946G>A (p.Val21316Ile)

Genes: TTN (titin; minus strand), TTN-AS1 (TTN antisense RNA 1; plus strand). Cytogenetic location: 2q31.2.
Variant type: single nucleotide variant.
Coding change: c.63946G>A on transcript NM_001267550.2 (MANE Select); coding-DNA position 63946, G replaced by A.
Protein change: p.Val21316Ile; replaces valine 21316 with isoleucine.
Molecular consequence: missense variant.
Genome position (GRCh38, 1-based): chr2:178,587,265, C>T on the plus strand (G>A on the coding strand, the complement: TTN is on the minus strand). VCF-style: chr2-178587265-C-T. GRCh37 (hg19) VCF-style: chr2-179451992-C-T.
Other names: c.59023G>A, p.Val19675Ile (NM_001256850.1); c.36751G>A, p.Val12251Ile (NM_003319.4); c.56242G>A, p.Val18748Ile (NM_133378.4); c.37126G>A, p.Val12376Ile (NM_133432.3); c.37327G>A, p.Val12443Ile (NM_133437.4); short protein forms V12251I, V12376I, V12443I, V18748I, V19675I, V21316I.
Identifiers: ClinVar variation 2691304 (VCV002691304.4), dbSNP rs772434894, ClinGen allele CA1991992.